The following is an entry in ClinVar:

ClinVar aggregate classification (germline): Likely benign (1 of 4 stars; one submission).

Allele frequency attached by ClinVar (database versions not stated): gnomAD 0.00030 and 0.00038; 1000 Genomes Project 30x 0.00109.
gnomAD v4.1: 55 of 146,718 alleles (0.037%); highest among the groups gnomAD compares: South Asian, 0.15%; no homozygotes.

Submission:

CeGaT Center for Human Genetics Tuebingen
Classification: Likely benign. Last evaluated: 2026-06-01. Review status: criteria provided, single submitter. Criteria: CeGaT Center For Human Genetics Tuebingen Variant Classification Criteria Version 2. Collection method: clinical testing. Allele origin: germline. Affected: yes. Observed: 7 variant alleles.
Comment: BRAF: BS1

NM_004333.6(BRAF):c.980+1812C>T

Gene: BRAF (B-Raf proto-oncogene, serine/threonine kinase; minus strand). Cytogenetic location: 7q34.
Variant type: single nucleotide variant.
Coding change: c.980+1812C>T on transcript NM_004333.6 (MANE Select); 1812 bases into the intron after coding-DNA position 980, C replaced by T.
Molecular consequence: intron variant.
Genome position (GRCh38, 1-based): chr7:140,798,550, G>A on the plus strand (C>T on the coding strand, the complement: BRAF is on the minus strand). VCF-style: chr7-140798550-G-A. GRCh37 (hg19) VCF-style: chr7-140498350-G-A.
Other names: c.980+1812C>T (NM_001378474.1, NM_001378471.1, NM_001378468.1 and 4 more transcripts); c.878+1812C>T (NM_001378470.1); c.716+1812C>T (NM_001378475.1); c.989+1812C>T (NM_001378467.1); c.824+1812C>T (NM_001378472.1, NM_001378473.1).
Identifiers: ClinVar variation 1676086 (VCV001676086.33), dbSNP rs1046366661, ClinGen allele CA168104283.
Genomic context (GRCh38, chr7:140,798,550, plus strand): 5'-GACCTCGTGATCCGCCTGCCTCGGCCTCCCAAAGTGCTGGGATTACAGGAGTGAGCCACC[G>A]CGCCCGGCCTTTTTTTTTTTTTTTTTTTTTAAAGCATGTGCTTCCAGACGCAGCCTAAAT-3'